The following is an entry in ClinVar:

NM_004168.4(SDHA):c.1414G>T (p.Glu472Ter)

Gene: SDHA (succinate dehydrogenase complex flavoprotein subunit A; plus strand). Cytogenetic location: 5p15.33.
Variant type: single nucleotide variant.
Coding change: c.1414G>T on transcript NM_004168.4 (MANE Select); coding-DNA position 1414, G replaced by T.
Protein change: p.Glu472Ter; replaces glutamic acid 472 with a stop codon.
Molecular consequence: nonsense.
Genome position (GRCh38, 1-based): chr5:236,581, G>T. VCF-style: chr5-236581-G-T. GRCh37 (hg19) VCF-style: chr5-236696-G-T.
Other names: c.1270G>T, p.Glu424Ter (NM_001294332.2); c.1414G>T, p.Glu472Ter (NM_001330758.2); short protein forms E424*, E472*.
Identifiers: ClinVar variation 1772107 (VCV001772107.7), dbSNP rs143798161, ClinGen allele CA359014106.

ClinVar aggregate classification (germline): Pathogenic. Review status: criteria provided, multiple submitters, no conflicts (2 of 4 stars). 2 submissions from 2 submitters: Pathogenic (2). Last evaluated 2025-08-07.

Conditions:
Hereditary cancer-predisposing syndrome. Also called: Tumor predisposition; Hereditary Cancer Syndrome; Hereditary neoplastic syndrome; Neoplastic Syndromes, Hereditary. Identifiers: Orphanet 140162, MedGen C0027672, MeSH D009386, MONDO:0015356.
Mitochondrial complex II deficiency, nuclear type 1. Also called: SUCCINATE CoQ REDUCTASE DEFICIENCY. Identifiers: Orphanet 3208, MedGen C5700310, MONDO:0100294, OMIM 252011.
Pheochromocytoma/paraganglioma syndrome 5. Also called: Paragangliomas 5; SDHA-Related Hereditary Paraganglioma-Pheochromocytoma Syndrome. Identifiers: Orphanet 29072, MedGen C3279992, MONDO:0013602, OMIM 614165.

Submissions (2):

Labcorp Genetics (formerly Invitae), Labcorp
Classification: Pathogenic for Pheochromocytoma/paraganglioma syndrome 5; Mitochondrial complex II deficiency, nuclear type 1. Last evaluated: 2025-08-07. Review status: criteria provided, single submitter. Criteria: Invitae Variant Classification Sherloc (09022015). Collection method: clinical testing. Allele origin: germline.
Comment: This sequence change creates a premature translational stop signal (p.Glu472*) in the SDHA gene. It is expected to result in an absent or disrupted protein product. Loss-of-function variants in SDHA are known to be pathogenic (PMID: 22974104, 24781757). This variant is not present in population databases (gnomAD no frequency). This variant has not been reported in the literature in individuals affected with SDHA-related conditions. ClinVar contains an entry for this variant (Variation ID: 1772107). For these reasons, this variant has been classified as Pathogenic.

Ambry Genetics
Classification: Pathogenic for Hereditary cancer-predisposing syndrome. Last evaluated: 2021-04-07. Review status: criteria provided, single submitter. Criteria: Ambry Variant Classification Scheme 2023. Collection method: clinical testing. Allele origin: germline.
Comment: The p.E472* pathogenic mutation (also known as c.1414G>T), located in coding exon 10 of the SDHA gene, results from a G to T substitution at nucleotide position 1414. This changes the amino acid from a glutamic acid to a stop codon within coding exon 10. This variant was not reported in population-based cohorts in the Genome Aggregation Database (gnomAD). This alteration is expected to result in loss of function by premature protein truncation or nonsense-mediated mRNA decay. As such, this alteration is interpreted as a disease-causing mutation.

Literature cited by the submitters: PubMed 22974104 (cited by Labcorp Genetics (formerly Invitae), Labcorp); PubMed 24781757 (cited by Labcorp Genetics (formerly Invitae), Labcorp).